The following is an entry in ClinVar:

ClinVar aggregate classification (germline): Uncertain significance (1 of 4 stars; one submission).

Conditions:
Cardiovascular phenotype. Identifiers: MedGen CN230736.

gnomAD v4.1: 2 of 1,550,326 alleles (0.00013%); highest among the groups gnomAD compares: Non-Finnish European, 0.000087%; no homozygotes.

Submission:

Ambry Genetics
Classification: Uncertain significance for Cardiovascular phenotype. Last evaluated: 2026-06-15. Review status: criteria provided, single submitter. Criteria: Ambry Variant Classification Scheme 2023. Collection method: clinical testing. Allele origin: germline.
Comment: The p.R1687S variant (also known as c.5061G>T), located in coding exon 2 of the ZNF469 gene, results from a G to T substitution at nucleotide position 5061. The arginine at codon 1687 is replaced by serine, an amino acid with dissimilar properties. This amino acid position is conserved. In addition, this alteration is predicted to be tolerated by in silico analysis. Based on the available evidence, the clinical significance of this variant remains unclear.

NM_001367624.2(ZNF469):c.5145G>T (p.Arg1715Ser)

Gene: ZNF469 (zinc finger protein 469; plus strand). Cytogenetic location: 16q24.2.
Variant type: single nucleotide variant.
Coding change: c.5145G>T on transcript NM_001367624.2 (MANE Select); coding-DNA position 5145, G replaced by T.
Protein change: p.Arg1715Ser; replaces arginine 1715 with serine.
Molecular consequence: missense variant.
Genome position (GRCh38, 1-based): chr16:88,432,615, G>T. VCF-style: chr16-88432615-G-T. GRCh37 (hg19) VCF-style: chr16-88499023-G-T.
Other names: NM_001127464.1:c.5061G>T; short protein forms R1715S.
Identifiers: ClinVar variation 5032201 (VCV005032201.1).